The following is an entry in ClinVar:

NM_001204288.2(MUC1):c.493G>A (p.Gly165Ser)

Gene: MUC1 (mucin 1, cell surface associated; minus strand). Cytogenetic location: 1q22.
Variant type: single nucleotide variant.
Coding change: c.493G>A on transcript NM_001204288.2; coding-DNA position 493, G replaced by A.
Protein change: p.Gly165Ser; replaces glycine 165 with serine.
Molecular consequence: missense variant. On other transcripts: synonymous variant (15), intron variant (4).
Genome position (GRCh38, 1-based): chr1:155,187,500, C>T on the plus strand (G>A on the coding strand, the complement: MUC1 is on the minus strand). VCF-style: chr1-155187500-C-T. GRCh37 (hg19) VCF-style: chr1-155159976-C-T.
Other names: c.525G>A, p.Leu175= (NM_001018016.3); c.498G>A, p.Leu166= (NM_001018017.3); c.342G>A, p.Leu114= (NM_001044390.3); c.310G>A, p.Gly104Ser (NM_001044393.3); c.1158G>A, p.Leu386= (NM_001204285.2); c.1185G>A, p.Leu395= (NM_001204286.1); c.579G>A, p.Leu193= (NM_001204287.2); c.447G>A, p.Leu149= (NM_001204289.2); and 13 more; short protein forms G104S, G165S.
Identifiers: ClinVar variation 1049509 (VCV001049509.4), dbSNP rs758786611, ClinGen allele CA1139362.
Genomic context (GRCh38, chr1:155,187,500, plus strand): 5'-AGGGACTGCACTCACCAAGGCAATGAGATAGACAATGGCCAGCGCAACCAGAACACAGAC[C>T]AGCACCAGCAGCGCGATGCCCCAGCCTGGCACCCCAGCCCCAGACTGGGCAGAGAAAGGA-3'

ClinVar aggregate classification (germline): Conflicting classifications of pathogenicity. Review status: criteria provided, conflicting classifications (1 of 4 stars). 4 submissions from 4 submitters: Uncertain significance (1); Likely benign (2). 1 of the submissions does not count toward it. Last evaluated 2025-01-27.

Conditions:
MUC1-related disorder. Also called: MUC1-related condition.
Inborn genetic diseases. Identifiers: MedGen C0950123, MeSH D030342.
Kidney failure. Identifiers: MedGen C0035078, MONDO:0001106.

Allele frequency attached by ClinVar (database versions not stated): ExAC 0.00002; gnomAD 0.00004 and 0.00005; TOPMed 0.00004; gnomAD exomes 0.00002.

Submissions (4):

Ambry Genetics
Classification: Likely benign for Inborn genetic diseases. Last evaluated: 2025-01-27. Review status: criteria provided, single submitter. Criteria: Ambry Variant Classification Scheme 2023. Collection method: clinical testing. Allele origin: germline.

PreventionGenetics, part of Exact Sciences
Classification: Uncertain significance for MUC1-related condition. Last evaluated: 2023-08-10. Review status: criteria provided, single submitter. Criteria: ACMG Guidelines, 2015. Collection method: clinical testing. Allele origin: germline.
Comment: The MUC1 c.493G>A variant is predicted to result in the amino acid substitution p.Gly165Ser. Of note, in the more commonly reported transcript (NM_002456.5) this variant is synonymous and not predicted to result in an amino acid substitution (p.=). To our knowledge, this variant has not been reported in the literature. This variant is reported in 0.0065% of alleles in individuals of South Asian descent in gnomAD. At this time, the clinical significance of this variant is uncertain due to the absence of conclusive functional and genetic evidence.

Cambridge Genomics Laboratory, East Genomic Laboratory Hub, NHS Genomic Medicine Service
Classification: Likely benign for Kidney failure. Last evaluated: 2020-04-22. Review status: criteria provided, single submitter. Criteria: ACGS Best Practice Guidelines for Variant Classification in Rare Disease 2020. Collection method: clinical testing. Allele origin: germline. Affected: yes. Observed: 1 variant allele.

Department of Pathology and Laboratory Medicine, Sinai Health System
Classification: Uncertain significance. Review status: no assertion criteria provided. Collection method: clinical testing. Allele origin: unknown. Affected: yes. Study: The Canadian Open Genetics Repository (COGR). Not counted in ClinVar's aggregate classification.
Comment: The MUC1 p.G165S variant was not identified in the literature nor was the variant identified in ClinVar. The variant was identified in dbSNP (ID: rs758786611) and in control databases in 6 of 281224 chromosomes at a frequency of 0.00002134 (Genome Aggregation Database March 6, 2019, v2.1.1). The p.G165 residue is conserved in mammals and computational analyses (MUT Assesor, PolyPhen-2, SIFT, MutationTaster, Revel, FATHMM, MetaLR, DANN) have limited predictions regarding the impact to the protein The variant occurs outside of the splicing consensus sequence and in silico or computational prediction software programs (Splice AI exome) do not predict a deleterious effect on splicing. In summary, based on the above information the clinical significance of this variant cannot be determined with certainty at this time. This variant is classified as a variant of uncertain significance.